The following is an entry in ClinVar:

NC_000022.11:g.(?_28734393)_(28734725_?)del

Gene: CHEK2 (checkpoint kinase 2; minus strand). Cytogenetic location: 22q12.1.
Variant type: Deletion.
Identifiers: ClinVar variation 830670 (VCV000830670.6).

ClinVar aggregate classification (germline): Pathogenic (1 of 4 stars; one submission).

Conditions:
Familial cancer of breast. Also called: BREAST CANCER, FAMILIAL; Hereditary breast cancer; hereditary breast carcinoma. Identifiers: Orphanet 227535, MedGen C0346153, MONDO:0016419, OMIM 114480. Disease mechanism: loss of function.

Submission:

Labcorp Genetics (formerly Invitae), Labcorp
Classification: Pathogenic for Familial cancer of breast. Last evaluated: 2022-10-13. Review status: criteria provided, single submitter. Criteria: Invitae Variant Classification Sherloc (09022015). Collection method: clinical testing. Allele origin: germline.
Comment: This variant is a gross deletion of the genomic region encompassing exon(s) 2 of the CHEK2 gene, which includes the initiator codon. This deletion extends beyond the assayed region for this gene and therefore may encompass additional genes. It is expected to result in an absent or disrupted protein product. Loss-of-function variants in CHEK2 are known to be pathogenic (PMID: 21876083, 24713400). This variant has not been reported in the literature in individuals affected with CHEK2-related conditions. For these reasons, this variant has been classified as Pathogenic.

Literature cited by the submitters: PubMed 21876083; PubMed 24713400.